The following is an entry in ClinVar:

NM_003900.5(SQSTM1):c.809C>G (p.Pro270Arg)

Gene: SQSTM1 (sequestosome 1; plus strand). Cytogenetic location: 5q35.3.
Variant type: single nucleotide variant.
Coding change: c.809C>G on transcript NM_003900.5 (MANE Select); coding-DNA position 809, C replaced by G.
Protein change: p.Pro270Arg; replaces proline 270 with arginine.
Molecular consequence: missense variant.
Genome position (GRCh38, 1-based): chr5:179,833,086, C>G. VCF-style: chr5-179833086-C-G. GRCh37 (hg19) VCF-style: chr5-179260086-C-G.
Other names: c.557C>G, p.Pro186Arg (NM_001142298.2, NM_001142299.2); short protein forms P186R, P270R.
Identifiers: ClinVar variation 3756400 (VCV003756400.2).

ClinVar aggregate classification (germline): Uncertain significance (1 of 4 stars; one submission).

Conditions:
Frontotemporal dementia and/or amyotrophic lateral sclerosis 1 (FTDALS1). Also called: Frontotemporal dementia with motor neuron disease 1; C9orf72 Frontotemporal Dementia and/or Amyotrophic Lateral Sclerosis. Identifiers: Orphanet 275872, MedGen C5779877, MONDO:0007105, OMIM 105550.
Paget disease of bone 2, early-onset (PDB2). Also called: Paget disease of bone 2. Identifiers: MedGen C4085251, MONDO:0011183, OMIM 602080.

gnomAD v4.1: 1 of 1,614,212 alleles (0.000062%); highest among the groups gnomAD compares: Admixed American, 0.0017%; no homozygotes.

Submission:

Labcorp Genetics (formerly Invitae), Labcorp
Classification: Uncertain significance for Paget disease of bone 2, early-onset; Frontotemporal dementia and/or amyotrophic lateral sclerosis 1. Last evaluated: 2024-05-17. Review status: criteria provided, single submitter. Criteria: Invitae Variant Classification Sherloc (09022015). Collection method: clinical testing. Allele origin: germline.
Comment: This sequence change replaces proline, which is neutral and non-polar, with arginine, which is basic and polar, at codon 270 of the SQSTM1 protein (p.Pro270Arg). This variant is not present in population databases (gnomAD no frequency). This variant has not been reported in the literature in individuals affected with SQSTM1-related conditions. Advanced modeling of protein sequence and biophysical properties (such as structural, functional, and spatial information, amino acid conservation, physicochemical variation, residue mobility, and thermodynamic stability) performed at Invitae indicates that this missense variant is not expected to disrupt SQSTM1 protein function with a negative predictive value of 80%. In summary, the available evidence is currently insufficient to determine the role of this variant in disease. Therefore, it has been classified as a Variant of Uncertain Significance.